The following is an entry in ClinVar:

NM_001127222.2(CACNA1A):c.2245A>G (p.Ser749Gly)

Gene: CACNA1A (calcium voltage-gated channel subunit alpha1 A; minus strand). Cytogenetic location: 19p13.13.
Variant type: single nucleotide variant.
Coding change: c.2245A>G on transcript NM_001127222.2 (MANE Select); coding-DNA position 2245, A replaced by G.
Protein change: p.Ser749Gly; replaces serine 749 with glycine.
Molecular consequence: missense variant.
Genome position (GRCh38, 1-based): chr19:13,300,584, T>C on the plus strand (A>G on the coding strand, the complement: CACNA1A is on the minus strand). VCF-style: chr19-13300584-T-C. GRCh37 (hg19) VCF-style: chr19-13411398-T-C.
Other names: c.2257A>G, p.Ser753Gly (NM_000068.4, NM_023035.3); c.2248A>G, p.Ser750Gly (NM_001127221.2, NM_001174080.2); short protein forms S749G, S750G, S753G.
Identifiers: ClinVar variation 950130 (VCV000950130.10), dbSNP rs1248327304, ClinGen allele CA404343893.

ClinVar aggregate classification (germline): Uncertain significance (1 of 4 stars; one submission).

Conditions:
Developmental and epileptic encephalopathy, 42 (DEE42A). Also called: DEVELOPMENTAL AND EPILEPTIC ENCEPHALOPATHY 42A; EPILEPTIC ENCEPHALOPATHY, EARLY INFANTILE, 42A; Epileptic encephalopathy, early infantile, 42. Identifiers: MedGen C4310716, MONDO:0014917, OMIM 617106.
Episodic ataxia type 2 (EA2). Also called: ATAXIA, EPISODIC, WITH NYSTAGMUS; ATAXIA, FAMILIAL PAROXYSMAL; CEREBELLAR ATAXIA, PAROXYSMAL, ACETAZOLAMIDE-RESPONSIVE; ACETAZOLAMIDE-RESPONSIVE HEREDITARY PAROXYSMAL CEREBELLAR ATAXIA; CEREBELLOPATHY, HEREDITARY PAROXYSMAL; EPISODIC ATAXIA, NYSTAGMUS-ASSOCIATED. Identifiers: Orphanet 97, MedGen C1720416, MONDO:0007163, OMIM 108500.

gnomAD v4.1: 1 of 1,613,802 alleles (0.000062%); highest among the groups gnomAD compares: African/African-American, 0.0013%; no homozygotes.

Submission:

Labcorp Genetics (formerly Invitae), Labcorp
Classification: Uncertain significance for Developmental and epileptic encephalopathy, 42; Episodic ataxia type 2. Last evaluated: 2020-03-06. Review status: criteria provided, single submitter. Criteria: Invitae Variant Classification Sherloc (09022015). Collection method: clinical testing. Allele origin: germline.
Comment: This sequence change replaces serine with glycine at codon 750 of the CACNA1A protein (p.Ser750Gly). The serine residue is highly conserved and there is a small physicochemical difference between serine and glycine. This variant is not present in population databases (ExAC no frequency). This variant has not been reported in the literature in individuals with CACNA1A-related conditions. Algorithms developed to predict the effect of missense changes on protein structure and function are either unavailable or do not agree on the potential impact of this missense change (SIFT: "Deleterious"; PolyPhen-2: "Probably Damaging"; Align-GVGD: "Class C0"). In summary, the available evidence is currently insufficient to determine the role of this variant in disease. Therefore, it has been classified as a Variant of Uncertain Significance.